The following is an entry in ClinVar:

ClinVar aggregate classification (germline): Uncertain significance (1 of 4 stars; one submission).

gnomAD v4.1: 1 of 1,614,004 alleles (0.000062%); no homozygotes.

Submission:

Dasa
Classification: Uncertain significance. Last evaluated: 2025-04-15. Review status: criteria provided, single submitter. Criteria: DASA Assertion Criteria. Collection method: clinical testing. Allele origin: germline.
Comment: NM_000313.4(PROS1):c.37G>C (p.Ala13Pro) is a missense variant that results in the substitution of alanine with proline. Functional evidence supports an impact on the gene or gene product. Also, this variant is rare in population databases. Computational prediction algorithms are consistent with a benign effect. The currently available literature and clinical evidence are not sufficient to establish a definitive association between this variant and the reported condition. Therefore, this variant is classified as a variant of uncertain significance.

NM_000313.4(PROS1):c.37G>C (p.Ala13Pro)

Gene: PROS1 (protein S; minus strand). Cytogenetic location: 3q11.1.
Variant type: single nucleotide variant.
Coding change: c.37G>C on transcript NM_000313.4 (MANE Select); coding-DNA position 37, G replaced by C.
Protein change: p.Ala13Pro; replaces alanine 13 with proline.
Molecular consequence: missense variant.
Genome position (GRCh38, 1-based): chr3:93,973,713, C>G on the plus strand (G>C on the coding strand, the complement: PROS1 is on the minus strand). VCF-style: chr3-93973713-C-G. GRCh37 (hg19) VCF-style: chr3-93692557-C-G.
Other names: c.37G>C, p.Ala13Pro (NM_001314077.2); short protein forms A13P.
Identifiers: ClinVar variation 4882168 (VCV004882168.2).